The following is an entry in ClinVar:

NM_001253697.2(ERBIN):c.253C>G (p.Pro85Ala)

Gene: ERBIN (erbb2 interacting protein; plus strand). Cytogenetic location: 5q12.3.
Variant type: single nucleotide variant.
Coding change: c.253C>G on transcript NM_001253697.2 (MANE Select); coding-DNA position 253, C replaced by G.
Protein change: p.Pro85Ala; replaces proline 85 with alanine.
Molecular consequence: missense variant.
Genome position (GRCh38, 1-based): chr5:65,994,810, C>G. VCF-style: chr5-65994810-C-G. GRCh37 (hg19) VCF-style: chr5-65290638-C-G.
Other names: c.253C>G, p.Pro85Ala (NM_001006600.3, NM_001253698.2, NM_001253699.2 and 2 more transcripts); short protein forms P85A.
Identifiers: ClinVar variation 3664627 (VCV003664627.2).

ClinVar aggregate classification (germline): Uncertain significance (1 of 4 stars; one submission).

gnomAD v4.1: 4 of 1,609,020 alleles (0.00025%); highest among the groups gnomAD compares: Admixed American, 0.0051%; no homozygotes.

Submission:

Labcorp Genetics (formerly Invitae), Labcorp
Classification: Uncertain significance. Last evaluated: 2024-04-14. Review status: criteria provided, single submitter. Criteria: Invitae Variant Classification Sherloc (09022015). Collection method: clinical testing. Allele origin: germline.
Comment: This sequence change replaces proline, which is neutral and non-polar, with alanine, which is neutral and non-polar, at codon 85 of the ERBIN protein (p.Pro85Ala). This variant is present in population databases (no rsID available, gnomAD 0.003%). This variant has not been reported in the literature in individuals affected with ERBIN-related conditions. An algorithm developed to predict the effect of missense changes on protein structure and function (PolyPhen-2) suggests that this variant is likely to be disruptive. In summary, the available evidence is currently insufficient to determine the role of this variant in disease. Therefore, it has been classified as a Variant of Uncertain Significance.